The following is an entry in ClinVar:

ClinVar aggregate classification (germline): Uncertain significance (1 of 4 stars; one submission).

Conditions:
Cardiovascular phenotype. Identifiers: MedGen CN230736.

gnomAD v4.1: 1 of 1,613,988 alleles (0.000062%); highest among the groups gnomAD compares: Admixed American, 0.0017%; no homozygotes.

Submission:

Ambry Genetics
Classification: Uncertain significance for Cardiovascular phenotype. Last evaluated: 2026-07-23. Review status: criteria provided, single submitter. Criteria: Ambry Variant Classification Scheme 2023. Collection method: clinical testing. Allele origin: germline.
Comment: The c.10873C>G (p.Q3625E) alteration is located in exon 44 (coding exon 44) of the AKAP9 gene. This alteration results from a C to G substitution at nucleotide position 10873, causing the glutamine (Q) at amino acid position 3625 to be replaced by a glutamic acid (E). Based on data from gnomAD, the G allele has an overall frequency of <0.001% (1/251340) total alleles studied. The highest observed frequency was 0.003% (1/34592) of Latino alleles. Based on insufficient or conflicting evidence, the clinical significance of this alteration remains unclear.

NM_005751.5(AKAP9):c.10873C>G (p.Gln3625Glu)

Gene: AKAP9 (A-kinase anchoring protein 9; plus strand). Cytogenetic location: 7q21.2.
Variant type: single nucleotide variant.
Coding change: c.10873C>G on transcript NM_005751.5 (MANE Select); coding-DNA position 10873, C replaced by G.
Protein change: p.Gln3625Glu; replaces glutamine 3625 with glutamic acid.
Molecular consequence: missense variant.
Genome position (GRCh38, 1-based): chr7:92,099,846, C>G. VCF-style: chr7-92099846-C-G. GRCh37 (hg19) VCF-style: chr7-91729160-C-G.
Other names: c.5518C>G, p.Gln1840Glu (NM_001379277.1); c.10849C>G, p.Gln3617Glu (NM_147185.3); short protein forms Q1840E, Q3617E, Q3625E.
Identifiers: ClinVar variation 5034303 (VCV005034303.1).
Genomic context (GRCh38, chr7:92,099,846, plus strand): 5'-GAGAAGAATGACTTAAGGAACATGGTTATGAAGCTGGAAGAGCAGATCAGGTGGTATCGA[C>G]AGACAGGAGCTGGTAGAGATAATGTATGTCCATTTTTAGCATCTCCATATATGAGAATTA-3'
Protein context (NP_005742.4, residues 3615-3635): KLEEQIRWYR[Gln3625Glu]TGAGRDNSSR